The following is an entry in ClinVar:

ClinVar aggregate classification (germline): Uncertain significance (1 of 4 stars; one submission).

Conditions:
Charcot-Marie-Tooth disease axonal type 2O. Also called: CHARCOT-MARIE-TOOTH NEUROPATHY, AXONAL, TYPE 2O; CHARCOT-MARIE-TOOTH DISEASE, AXONAL, AUTOSOMAL DOMINANT, TYPE 2O; Charcot-Marie-Tooth Neuropathy Type 2O; Charcot-Marie-Tooth disease, axonal, type 20. Identifiers: Orphanet 284232, MedGen C3280220, MONDO:0013644, OMIM 614228.

Submission:

Labcorp Genetics (formerly Invitae), Labcorp
Classification: Uncertain significance for Charcot-Marie-Tooth disease axonal type 2O. Last evaluated: 2022-08-15. Review status: criteria provided, single submitter. Criteria: Invitae Variant Classification Sherloc (09022015). Collection method: clinical testing. Allele origin: germline.
Comment: Algorithms developed to predict the effect of missense changes on protein structure and function (SIFT, PolyPhen-2, Align-GVGD) all suggest that this variant is likely to be disruptive. In summary, the available evidence is currently insufficient to determine the role of this variant in disease. Therefore, it has been classified as a Variant of Uncertain Significance. This variant has not been reported in the literature in individuals affected with DYNC1H1-related conditions. This variant is not present in population databases (gnomAD no frequency). This sequence change replaces glycine, which is neutral and non-polar, with arginine, which is basic and polar, at codon 3758 of the DYNC1H1 protein (p.Gly3758Arg).

NM_001376.5(DYNC1H1):c.11272G>C (p.Gly3758Arg)

Gene: DYNC1H1 (dynein cytoplasmic 1 heavy chain 1; plus strand). Cytogenetic location: 14q32.31.
Variant type: single nucleotide variant.
Coding change: c.11272G>C on transcript NM_001376.5 (MANE Select); coding-DNA position 11272, G replaced by C.
Protein change: p.Gly3758Arg; replaces glycine 3758 with arginine.
Molecular consequence: missense variant.
Genome position (GRCh38, 1-based): chr14:102,039,066, G>C. VCF-style: chr14-102039066-G-C. GRCh37 (hg19) VCF-style: chr14-102505403-G-C.
Other names: short protein forms G3758R.
Identifiers: ClinVar variation 2051200 (VCV002051200.4), dbSNP rs2503844426, ClinGen allele CA391033175.